The following is an entry in ClinVar:

NM_024675.4(PALB2):c.2067G>T (p.Ser689=)

Gene: PALB2 (partner and localizer of BRCA2; minus strand). Cytogenetic location: 16p12.2.
Variant type: single nucleotide variant.
Coding change: c.2067G>T on transcript NM_024675.4 (MANE Select); coding-DNA position 2067, G replaced by T.
Protein change: p.Ser689=; no amino-acid change (serine 689 retained).
Molecular consequence: synonymous variant.
Genome position (GRCh38, 1-based): chr16:23,630,087, C>A on the plus strand (G>T on the coding strand, the complement: PALB2 is on the minus strand). VCF-style: chr16-23630087-C-A. GRCh37 (hg19) VCF-style: chr16-23641408-C-A.
Identifiers: ClinVar variation 241538 (VCV000241538.23), dbSNP rs371149159, ClinGen allele CA10583367.

ClinVar aggregate classification (germline): Benign/Likely benign. Review status: criteria provided, multiple submitters, no conflicts (2 of 4 stars). 6 submissions from 6 submitters: Benign (1); Likely benign (4). 1 of the submissions does not count toward it. Last evaluated 2025-12-21.

Conditions:
Hereditary cancer-predisposing syndrome. Also called: Tumor predisposition; Neoplastic Syndromes, Hereditary; Hereditary Cancer Syndrome; Hereditary neoplastic syndrome. Identifiers: Orphanet 140162, MedGen C0027672, MeSH D009386, MONDO:0015356.
Familial cancer of breast. Also called: Hereditary breast cancer; BREAST CANCER, FAMILIAL; hereditary breast carcinoma. Identifiers: Orphanet 227535, MedGen C0346153, MONDO:0016419, OMIM 114480. Disease mechanism: loss of function.

gnomAD v4.1: 2 of 1,614,114 alleles (0.00012%); highest among the groups gnomAD compares: South Asian, 0.0011%; no homozygotes.

Submissions (6):

Labcorp Genetics (formerly Invitae), Labcorp
Classification: Likely benign for Familial cancer of breast. Last evaluated: 2025-12-21. Review status: criteria provided, single submitter. Criteria: Invitae Variant Classification Sherloc (09022015). Collection method: clinical testing. Allele origin: germline.

Myriad Genetics, Inc.
Classification: Benign for Familial cancer of breast. Last evaluated: 2023-03-30. Review status: criteria provided, single submitter. Criteria: Myriad Autosomal Dominant, Autosomal Recessive and X-Linked Classification Criteria (2023). Collection method: clinical testing. Allele origin: unknown.
Comment: This variant is considered benign. This variant is a silent/synonymous amino acid change and it is not expected to impact splicing.

GeneDx
Classification: Likely benign. Last evaluated: 2018-04-13. Review status: criteria provided, single submitter. Criteria: GeneDx Variant Classification Process June 2021. Collection method: clinical testing. Allele origin: germline. Affected: yes.

Color Diagnostics, LLC DBA Color Health
Classification: Likely benign for Hereditary cancer-predisposing syndrome. Last evaluated: 2017-02-13. Review status: criteria provided, single submitter. Criteria: ACMG Guidelines, 2015. Collection method: clinical testing. Allele origin: germline.

Ambry Genetics
Classification: Likely benign for Hereditary cancer-predisposing syndrome. Last evaluated: 2015-09-23. Review status: criteria provided, single submitter. Criteria: Ambry Variant Classification Scheme 2023. Collection method: clinical testing. Allele origin: germline.

Counsyl
Classification: Likely benign for Familial cancer of breast. Last evaluated: 2017-03-17. Review status: no assertion criteria provided. Collection method: clinical testing. Allele origin: unknown. Not counted in ClinVar's aggregate classification.